The following is an entry in ClinVar:

ClinVar aggregate classification (germline): Uncertain significance. Review status: criteria provided, multiple submitters, no conflicts (2 of 4 stars). 4 submissions from 4 submitters: Uncertain significance (4). Last evaluated 2025-07-30.

Conditions:
Familial thoracic aortic aneurysm and aortic dissection (TAAD). Also called: Thoracic aortic aneurysms and dissections. Identifiers: Orphanet 91387, MedGen C4707243, MONDO:0019625.
Congenital contractural arachnodactyly (CCA). Also called: BEALS SYNDROME; Beals-Hecht syndrome; Arthrogryposis, distal, type 9. Identifiers: Orphanet 115, MedGen C0220668, MONDO:0007363, OMIM 121050.

Allele frequency attached by ClinVar (database versions not stated): TOPMed below 0.00001; ExAC 0.00002; gnomAD 0.00002; gnomAD exomes 0.00002.
gnomAD v4.1: 32 of 1,613,480 alleles (0.002%); highest among the groups gnomAD compares: Non-Finnish European, 0.0027%; no homozygotes.

Submissions (4):

Labcorp Genetics (formerly Invitae), Labcorp
Classification: Uncertain significance for Congenital contractural arachnodactyly. Last evaluated: 2025-07-30. Review status: criteria provided, single submitter. Criteria: Invitae Variant Classification Sherloc (09022015). Collection method: clinical testing. Allele origin: germline.
Comment: This sequence change replaces proline, which is neutral and non-polar, with leucine, which is neutral and non-polar, at codon 2499 of the FBN2 protein (p.Pro2499Leu). This variant is present in population databases (rs199583859, gnomAD 0.004%). This variant has not been reported in the literature in individuals affected with FBN2-related conditions. ClinVar contains an entry for this variant (Variation ID: 519850). Invitae Evidence Modeling of protein sequence and biophysical properties (such as structural, functional, and spatial information, amino acid conservation, physicochemical variation, residue mobility, and thermodynamic stability) indicates that this missense variant is expected to disrupt FBN2 protein function with a positive predictive value of 80%. In summary, the available evidence is currently insufficient to determine the role of this variant in disease. Therefore, it has been classified as a Variant of Uncertain Significance.

Revvity Omics, Revvity
Classification: Uncertain significance. Last evaluated: 2025-04-29. Review status: criteria provided, single submitter. Criteria: ACMG Guidelines, 2015. Collection method: clinical testing. Allele origin: germline.

Centre of Medical Genetics, University of Antwerp
Classification: Uncertain significance for Familial thoracic aortic aneurysm and aortic dissection. Last evaluated: 2024-09-06. Review status: criteria provided, single submitter. Criteria: ACMG Guidelines, 2015. Collection method: clinical testing. Allele origin: germline. Affected: yes.

Ambry Genetics
Classification: Uncertain significance for Familial thoracic aortic aneurysm and aortic dissection. Last evaluated: 2023-04-06. Review status: criteria provided, single submitter. Criteria: Ambry Variant Classification Scheme 2023. Collection method: clinical testing. Allele origin: germline.
Comment: The p.P2499L variant (also known as c.7496C>T), located in coding exon 59 of the FBN2 gene, results from a C to T substitution at nucleotide position 7496. The proline at codon 2499 is replaced by leucine, an amino acid with similar properties. This amino acid position is well conserved in available vertebrate species. In addition, the in silico prediction for this alteration is inconclusive. Since supporting evidence is limited at this time, the clinical significance of this alteration remains unclear.

NM_001999.4(FBN2):c.7496C>T (p.Pro2499Leu)

Gene: FBN2 (fibrillin 2; minus strand). Cytogenetic location: 5q23.3.
Variant type: single nucleotide variant.
Coding change: c.7496C>T on transcript NM_001999.4 (MANE Select); coding-DNA position 7496, C replaced by T.
Protein change: p.Pro2499Leu; replaces proline 2499 with leucine.
Molecular consequence: missense variant.
Genome position (GRCh38, 1-based): chr5:128,276,136, G>A on the plus strand (C>T on the coding strand, the complement: FBN2 is on the minus strand). VCF-style: chr5-128276136-G-A. GRCh37 (hg19) VCF-style: chr5-127611828-G-A.
Other names: short protein forms P2499L.
Identifiers: ClinVar variation 519850 (VCV000519850.14), dbSNP rs199583859, ClinGen allele CA3394100.